The following is an entry in ClinVar:

NM_000238.4(KCNH2):c.2364G>C (p.Glu788Asp)

Gene: KCNH2 (potassium voltage-gated channel subfamily H member 2; minus strand). Cytogenetic location: 7q36.1.
Variant type: single nucleotide variant.
Coding change: c.2364G>C on transcript NM_000238.4 (MANE Select); coding-DNA position 2364, G replaced by C.
Protein change: p.Glu788Asp; replaces glutamic acid 788 with aspartic acid.
Molecular consequence: missense variant.
Genome position (GRCh38, 1-based): chr7:150,950,202, C>G on the plus strand (G>C on the coding strand, the complement: KCNH2 is on the minus strand). VCF-style: chr7-150950202-C-G. GRCh37 (hg19) VCF-style: chr7-150647290-C-G.
Other names: c.2364G>C (LRG_288t1); c.1344G>C, p.Glu448Asp (NM_001204798.2, NM_172057.3); c.2076G>C, p.Glu692Asp (NM_001406753.1, NM_001406756.1); c.2187G>C, p.Glu729Asp (NM_001406755.1); c.2064G>C, p.Glu688Asp (NM_001406757.1); c.2364G>C, p.Glu788Asp (NM_172056.3); short protein forms E448D, E788D, E692D, E688D, E729D.
Identifiers: ClinVar variation 67390 (VCV000067390.7), dbSNP rs199473535, ClinGen allele CA006509.

ClinVar aggregate classification (germline): Uncertain significance. Review status: criteria provided, single submitter (1 of 4 stars). 2 submissions from 2 submitters: Uncertain significance (1). 1 of the submissions does not count toward it. Last evaluated 2025-03-11.

Conditions:
Familial long QT syndrome (RWS). Also called: Congenital long QT syndrome; Romano-Ward syndrome; VENTRICULAR FIBRILLATION WITH PROLONGED QT INTERVAL. Identifiers: Orphanet 768, MedGen C1141890, MONDO:0019171.
Long QT syndrome (LQTS). Identifiers: MedGen C0023976, MeSH D008133, MONDO:0002442. Disease mechanism: loss of function. Inheritance: Various modes of inheritance.

Submissions (2):

Labcorp Genetics (formerly Invitae), Labcorp
Classification: Uncertain significance for Long QT syndrome. Last evaluated: 2025-03-11. Review status: criteria provided, single submitter. Criteria: Invitae Variant Classification Sherloc (09022015). Collection method: clinical testing. Allele origin: germline.
Comment: This sequence change replaces glutamic acid, which is acidic and polar, with aspartic acid, which is acidic and polar, at codon 788 of the KCNH2 protein (p.Glu788Asp). This variant is not present in population databases (gnomAD no frequency). This missense change has been observed in individual(s) with long QT Syndrome (PMID: 22949429). ClinVar contains an entry for this variant (Variation ID: 67390). An algorithm developed to predict the effect of missense changes on protein structure and function (PolyPhen-2) suggests that this variant is likely to be disruptive. Experimental studies have shown that this missense change affects KCNH2 function (PMID: 25417810). This variant disrupts the p.Glu788 amino acid residue in KCNH2. Other variant(s) that disrupt this residue have been determined to be pathogenic (PMID: 19184172, 19716085). This suggests that this residue is clinically significant, and that variants that disrupt this residue are likely to be disease-causing. In summary, the available evidence is currently insufficient to determine the role of this variant in disease. Therefore, it has been classified as a Variant of Uncertain Significance.

Cardiovascular Biomedical Research Unit, Royal Brompton & Harefield NHS Foundation Trust
No classification provided. Condition: Familial long QT syndrome. Review status: no classification provided. Collection method: literature only. Allele origin: germline. Not counted in ClinVar's aggregate classification.
Comment: This variant has been reported as associated with Long QT syndrome in the following publications (PMID:15840476;PMID:19841300). This is a literature report, and does not necessarily reflect the clinical interpretation of the Imperial College / Royal Brompton Cardiovascular Genetics laboratory.

Literature cited by the submitters: PubMed 22949429 (cited by Labcorp Genetics (formerly Invitae), Labcorp); PubMed 25417810 (cited by Labcorp Genetics (formerly Invitae), Labcorp); PubMed 19184172 (cited by Labcorp Genetics (formerly Invitae), Labcorp); PubMed 19716085 (cited by Labcorp Genetics (formerly Invitae), Labcorp); PubMed 15840476 (cited by Cardiovascular Biomedical Research Unit, Royal Brompton & Harefield NHS Foundation Trust); PubMed 19841300 (cited by Cardiovascular Biomedical Research Unit, Royal Brompton & Harefield NHS Foundation Trust); PubMed 22581653 (cited by Cardiovascular Biomedical Research Unit, Royal Brompton & Harefield NHS Foundation Trust).